The following is an entry in ClinVar:

ClinVar aggregate classification (germline): Pathogenic/Likely pathogenic. Review status: criteria provided, multiple submitters, no conflicts (2 of 4 stars). 2 submissions from 2 submitters: Pathogenic (1); Likely pathogenic (1). Last evaluated 2025-11-27.

Submissions (2):

Labcorp Genetics (formerly Invitae), Labcorp
Classification: Pathogenic. Last evaluated: 2025-11-27. Review status: criteria provided, single submitter. Criteria: Invitae Variant Classification Sherloc (09022015). Collection method: clinical testing. Allele origin: germline.
Comment: This sequence change creates a premature translational stop signal (p.Trp365*) in the DGAT1 gene. It is expected to result in an absent or disrupted protein product. Loss-of-function variants in DGAT1 are known to be pathogenic (PMID: 29604290). This variant is not present in population databases (gnomAD no frequency). This premature translational stop signal has been observed in individual(s) with protein-losing enteropathy (PMID: 36703223). ClinVar contains an entry for this variant (Variation ID: 1810258). For these reasons, this variant has been classified as Pathogenic.

Dubai Health Genomic Medicine Center, Dubai Health
Classification: Likely pathogenic. Last evaluated: 2022-12-17. Review status: criteria provided, single submitter. Criteria: ACMG Guidelines, 2015. Collection method: clinical testing. Allele origin: germline. Affected: yes.

Literature cited by the submitters: PubMed 29604290 (cited by Labcorp Genetics (formerly Invitae), Labcorp); PubMed 36703223 (cited by Labcorp Genetics (formerly Invitae), Labcorp).

NM_012079.6(DGAT1):c.1095G>A (p.Trp365Ter)

Genes: MIR6848 (microRNA 6848; minus strand), DGAT1 (diacylglycerol O-acyltransferase 1; minus strand). Cytogenetic location: 8q24.3.
Variant type: single nucleotide variant.
Coding change: c.1095G>A on transcript NM_012079.6 (MANE Select); coding-DNA position 1095, G replaced by A.
Protein change: p.Trp365Ter; replaces tryptophan 365 with a stop codon.
Molecular consequence: nonsense. On other transcripts: non-coding transcript variant (1).
Genome position (GRCh38, 1-based): chr8:144,317,252, C>T on the plus strand (G>A on the coding strand, the complement: DGAT1 is on the minus strand). VCF-style: chr8-144317252-C-T. GRCh37 (hg19) VCF-style: chr8-145540915-C-T.
Other names: short protein forms W365*.
Identifiers: ClinVar variation 1810258 (VCV001810258.2), dbSNP rs2488948958, ClinGen allele CA372608703.
Genomic context (GRCh38, chr8:144,317,252, plus strand): 5'-GCACCACTTGTGCACAGGGATGTTCCAGTTCTGCCAGAAGTAGGTGACAGACTCGGAGTT[C>T]CTGGGGGCCAAGAGACCACAGGGGGATCAGAGCACACCATGGCCCATCCCAGCCCCCAGG-3'